The following is an entry in ClinVar:

NM_012281.3(KCND2):c.568G>C (p.Val190Leu)

Gene: KCND2 (potassium voltage-gated channel subfamily D member 2; plus strand). Cytogenetic location: 7q31.31.
Variant type: single nucleotide variant.
Coding change: c.568G>C on transcript NM_012281.3 (MANE Select); coding-DNA position 568, G replaced by C.
Protein change: p.Val190Leu; replaces valine 190 with leucine.
Molecular consequence: missense variant.
Genome position (GRCh38, 1-based): chr7:120,275,200, G>C. VCF-style: chr7-120275200-G-C. GRCh37 (hg19) VCF-style: chr7-119915254-G-C.
Other names: short protein forms V190L.
Identifiers: ClinVar variation 1718282 (VCV001718282.5), dbSNP rs2546907360, ClinGen allele CA369131905.

ClinVar aggregate classification (germline): Uncertain significance (1 of 4 stars; one submission).

Conditions:
Early Myoclonic Encephalopathy. Identifiers: MedGen C0270855.

Submission:

Labcorp Genetics (formerly Invitae), Labcorp
Classification: Uncertain significance for Early Myoclonic Encephalopathy. Last evaluated: 2022-08-29. Review status: criteria provided, single submitter. Criteria: Invitae Variant Classification Sherloc (09022015). Collection method: clinical testing. Allele origin: germline.
Comment: This sequence change replaces valine, which is neutral and non-polar, with leucine, which is neutral and non-polar, at codon 190 of the KCND2 protein (p.Val190Leu). This variant is not present in population databases (gnomAD no frequency). This variant has not been reported in the literature in individuals affected with KCND2-related conditions. Advanced modeling of protein sequence and biophysical properties (such as structural, functional, and spatial information, amino acid conservation, physicochemical variation, residue mobility, and thermodynamic stability) performed at Invitae indicates that this missense variant is not expected to disrupt KCND2 protein function. In summary, the available evidence is currently insufficient to determine the role of this variant in disease. Therefore, it has been classified as a Variant of Uncertain Significance.